The following is an entry in ClinVar:

NM_001018111.3(PODXL):c.1425C>T (p.Leu475=)

Gene: PODXL (podocalyxin like; minus strand). Cytogenetic location: 7q32.3.
Variant type: single nucleotide variant.
Coding change: c.1425C>T on transcript NM_001018111.3 (MANE Select); coding-DNA position 1425, C replaced by T.
Protein change: p.Leu475=; no amino-acid change (leucine 475 retained).
Molecular consequence: synonymous variant.
Genome position (GRCh38, 1-based): chr7:131,505,922, G>A on the plus strand (C>T on the coding strand, the complement: PODXL is on the minus strand). VCF-style: chr7-131505922-G-A. GRCh37 (hg19) VCF-style: chr7-131190681-G-A.
Other names: p.Leu443=; c.1329C>T, p.Leu443= (NM_005397.4).
Identifiers: ClinVar variation 2081541 (VCV002081541.5), dbSNP rs374483248, ClinGen allele CA4488366.
Genomic context (GRCh38, chr7:131,505,922, plus strand): 5'-GCTTACCTGGTCCTTCCTCTGGGAGAGGCGCTGGTGGCAGCAGCCATAGAGGGCCGCCAC[G>A]AGGAGCAGGAATGATGCCATGCAGACGATGGTGATGATGAGGGGCATGCTGAAGCGGTCC-3'
Protein context (NP_001018121.1, residues 465-485): TIVCMASFLL[Leu475=]VAALYGCCHQ

ClinVar aggregate classification (germline): Benign/Likely benign. Review status: criteria provided, multiple submitters, no conflicts (2 of 4 stars). 2 submissions from 2 submitters: Benign (1); Likely benign (1). Last evaluated 2025-07-18.

Allele frequency attached by ClinVar (database versions not stated): gnomAD 0.00008; TOPMed 0.00009; gnomAD exomes 0.00013; ESP Exome Variant Server 0.00023; ExAC 0.00025.
gnomAD v4.1: 202 of 1,593,074 alleles (0.013%); highest among the groups gnomAD compares: Non-Finnish European, 0.013%; no homozygotes.

Submissions (2):

Mayo Clinic Laboratories, Mayo Clinic
Classification: Likely benign. Last evaluated: 2025-07-18. Review status: criteria provided, single submitter. Criteria: ACMG Guidelines, 2015. Collection method: clinical testing. Allele origin: germline. Observed: 1 variant allele.
Comment: BP4, BP7

Labcorp Genetics (formerly Invitae), Labcorp
Classification: Benign. Last evaluated: 2022-05-07. Review status: criteria provided, single submitter. Criteria: Invitae Variant Classification Sherloc (09022015). Collection method: clinical testing. Allele origin: germline.